The following is an entry in ClinVar:

ClinVar aggregate classification (germline): Benign (1 of 4 stars; one submission).

Conditions:
Tuberous sclerosis 2 (TSC2). Identifiers: Orphanet 805, MedGen C1860707, MONDO:0013199, OMIM 613254.

Submission:

Myriad Genetics, Inc.
Classification: Benign for Tuberous sclerosis 2. Last evaluated: 2025-06-09. Review status: criteria provided, single submitter. Criteria: Myriad Autosomal Dominant, Autosomal Recessive and X-Linked Classification Criteria (2023). Collection method: clinical testing. Allele origin: unknown.
Comment: This variant is considered benign. This variant occurs in the non-coding 3' untranslated region of the gene, and is not expected to impact protein function.

NM_000548.5(TSC2):c.*8del

Gene: TSC2 (TSC complex subunit 2; plus strand). Cytogenetic location: 16p13.3.
Variant type: Deletion.
Coding change: c.*8del on transcript NM_000548.5 (MANE Select); 8 bases downstream of the stop codon, one base deleted (G; older notation c.*8delG).
Molecular consequence: 3 prime UTR variant. On other transcripts: non-coding transcript variant (5).
Genome position (GRCh38, 1-based): chr16:2,088,618, G deleted; the last of 4 consecutive G bases (chr16:2,088,615-2,088,618); deleting any one gives the same sequence. VCF-style (leftmost placement, unchanged base first): chr16-2088614-CG-C. GRCh37 (hg19) VCF-style: chr16-2138615-CG-C.
Other names: c.*8del (NM_001406689.1, NM_001406690.1, NM_001406691.1 and 39 more transcripts).
Identifiers: ClinVar variation 4071328 (VCV004071328.1).